The following is an entry in ClinVar:

ClinVar aggregate classification (germline): Likely benign. Review status: criteria provided, single submitter (1 of 4 stars). 2 submissions from 2 submitters: Likely benign (1). 1 of the submissions does not count toward it. Last evaluated 2025-10-06.

Conditions:
AHI1-related disorder. Also called: AHI1-related condition.
Joubert syndrome. Also called: CEREBELLOPARENCHYMAL DISORDER IV; JOUBERT-BOLTSHAUSER SYNDROME; Familial aplasia of the vermis. Identifiers: Orphanet 475, MedGen C5979921, MONDO:0018772.

Allele frequency attached by ClinVar (database versions not stated): gnomAD exomes below 0.00001; gnomAD 0.00001.
gnomAD v4.1: 2 of 1,613,660 alleles (0.00012%); highest among the groups gnomAD compares: South Asian, 0.0011%; no homozygotes.

Submissions (2):

Labcorp Genetics (formerly Invitae), Labcorp
Classification: Likely benign for Joubert syndrome. Last evaluated: 2025-10-06. Review status: criteria provided, single submitter. Criteria: Invitae Variant Classification Sherloc (09022015). Collection method: clinical testing. Allele origin: germline.

PreventionGenetics, part of Exact Sciences
Classification: Likely benign for AHI1-related condition. Last evaluated: 2023-05-08. Review status: no assertion criteria provided. Collection method: clinical testing. Allele origin: germline. Not counted in ClinVar's aggregate classification.
Comment: This variant is classified as likely benign based on ACMG/AMP sequence variant interpretation guidelines (Richards et al. 2015 PMID: 25741868, with internal and published modifications).

NM_001134831.2(AHI1):c.3201A>C (p.Ser1067=)

Gene: AHI1 (Abelson helper integration site 1; minus strand). Cytogenetic location: 6q23.3.
Variant type: single nucleotide variant.
Coding change: c.3201A>C on transcript NM_001134831.2 (MANE Select); coding-DNA position 3201, A replaced by C.
Protein change: p.Ser1067=; no amino-acid change (serine 1067 retained).
Molecular consequence: synonymous variant.
Genome position (GRCh38, 1-based): chr6:135,323,289, T>G on the plus strand (A>C on the coding strand, the complement: AHI1 is on the minus strand). VCF-style: chr6-135323289-T-G. GRCh37 (hg19) VCF-style: chr6-135644427-T-G.
Other names: c.3201A>C, p.Ser1067= (NM_001134830.2, NM_001350503.2, NM_001350504.2 and 1 more transcripts); c.3201A>C (NM_017651.4).
Identifiers: ClinVar variation 2044551 (VCV002044551.6), dbSNP rs1392893126, ClinGen allele CA452343450.